The following is an entry in ClinVar:

ClinVar aggregate classification (germline): Likely pathogenic (1 of 4 stars; one submission).

Conditions:
Dystonia 22, juvenile-onset (DYT22JO). Identifiers: MedGen C5830645, MONDO:0957539, OMIM 620453.

Submission:

Kasturba Medical College, Manipal, Kasturba Medical College, Manipal, Manipal Academy of Higher Education, Manipal, India
Classification: Likely pathogenic for Dystonia 22, juvenile-onset. Review status: criteria provided, single submitter. Criteria: ACMG Guidelines, 2015. Collection method: research. Allele origin: biparental. Inheritance: Autosomal recessive inheritance. Affected: yes. Observed: 1 homozygote.
Comment: This variant has not been observed in homozygous and/or heterozygous state in gnomAD (v4.1.0) and in our in-house data of 3412 exomes. This variant is predicted to cause shift in the reading frame of the transcript which may either cause the transcript to undergo nonsense-mediated mRNA decay or result in a truncated protein product.

NM_004758.4(TSPOAP1):c.3172dup (p.Arg1058fs)

Gene: TSPOAP1 (TSPO associated protein 1; minus strand). Cytogenetic location: 17q22.
Variant type: Duplication.
Coding change: c.3172dup on transcript NM_004758.4 (MANE Select); coding-DNA position 3172, one base duplicated (C; older notation c.3172dupC).
Protein change: p.Arg1058fs; shifts the reading frame from arginine 1058.
Molecular consequence: frameshift variant.
Genome position (GRCh38, 1-based): chr17:58,311,123, G duplicated on the plus strand (C on the coding strand, the reverse complement: TSPOAP1 is on the minus strand). VCF-style (leftmost placement, unchanged base first): chr17-58311122-C-CG. GRCh37 (hg19) VCF-style: chr17-56388483-C-CG.
Other names: c.3172dup, p.Arg1058fs (NM_001261835.2); c.2992dup, p.Arg998fs (NM_024418.3); short protein forms R1058fs, R998fs.
Identifiers: ClinVar variation 4070522 (VCV004070522.1).
Genomic context (GRCh38, chr17:58,311,122, plus strand): 5'-AGGGCGGGAGTGATAGGAGCCGGGATGGAGTCCGCCGACTCCCCGTGGGGCGACATGGTG[C>CG]GCACGACCACCTCACGACACACCTGCAGCAGCTGCAGCTGGGACAACTCCACCAGTACAC-3'